The following is an entry in ClinVar:

ClinVar aggregate classification (germline): Uncertain significance (1 of 4 stars; one submission).

Submission:

Laboratory for Molecular Medicine, Mass General Brigham Personalized Medicine
Classification: Uncertain significance. Last evaluated: 2014-06-30. Review status: criteria provided, single submitter. Criteria: LMM Criteria. Collection method: clinical testing. Allele origin: germline. Observed: 1 variant allele.
Comment: Variant classified as Uncertain Significance - Favor Pathogenic. The Ser17Cys va riant in GJB2 has not been previously reported in individuals with hearing loss and was absent from large population studies. Two different amino acid changes h ave been reported at this position, Ser17Phe and Ser17Tyr; the Ser17Phe variant has been associated with autosomal dominant Keratitis-Ichthyosis-Deafness syndro me (Mazereeuw-Hautier 2007, Richard 2002, Kim 2008, Lee 2009, Mazereeuw-Hautier 2014, Schutz 2011) and the Ser17Tyr variant was reported in one individual with nonsyndromic hearing loss who also carried a second pathogenic variant in the GJ B2 gene (Toth 2004). These findings suggest that changes at this position may no t be tolerated. Computational prediction tools and conservation analyses suggest that the Ser17Cys variant may impact the protein, though this information is no t predictive enough to determine pathogenicity. In summary, while there is some suspicion for a pathogenic role, the clinical significance of this variant is un certain.

Literature cited by the submitters: PubMed 15146474; PubMed 18987669; PubMed 24531573; PubMed 17381453; PubMed 11912510; PubMed 20926451; PubMed 18986886.

NM_004004.6(GJB2):c.50C>G (p.Ser17Cys)

Gene: GJB2 (gap junction protein beta 2; minus strand). Cytogenetic location: 13q12.11.
Variant type: single nucleotide variant.
Coding change: c.50C>G on transcript NM_004004.6 (MANE Select); coding-DNA position 50, C replaced by G.
Protein change: p.Ser17Cys; replaces serine 17 with cysteine.
Molecular consequence: missense variant.
Genome position (GRCh38, 1-based): chr13:20,189,532, G>C on the plus strand (C>G on the coding strand, the complement: GJB2 is on the minus strand). VCF-style: chr13-20189532-G-C. GRCh37 (hg19) VCF-style: chr13-20763671-G-C.
Other names: short protein forms S17C.
Identifiers: ClinVar variation 179825 (VCV000179825.4), dbSNP rs28929485, ClinGen allele CA185218.